The following is an entry in ClinVar:

ClinVar aggregate classification (germline): Likely benign (1 of 4 stars; one submission).

Allele frequency attached by ClinVar (database versions not stated): TOPMed 0.00012; gnomAD 0.00020; gnomAD exomes 0.00036; ExAC 0.00051; 1000 Genomes Project 30x 0.00125; 1000 Genomes Project 0.00132.
gnomAD v4.1: 418 of 1,200,461 alleles (0.035%); highest among the groups gnomAD compares: South Asian, 0.33%; 1 homozygote.

Submission:

CeGaT Center for Human Genetics Tuebingen
Classification: Likely benign. Last evaluated: 2022-12-01. Review status: criteria provided, single submitter. Criteria: CeGaT Center For Human Genetics Tuebingen Variant Classification Criteria Version 2. Collection method: clinical testing. Allele origin: germline. Affected: yes. Observed: 1 variant allele.
Comment: PLXNB3: BS2

NM_005393.3(PLXNB3):c.4141C>T (p.Leu1381Phe)

Gene: PLXNB3 (plexin B3; plus strand). Cytogenetic location: Xq28.
Variant type: single nucleotide variant.
Coding change: c.4141C>T on transcript NM_005393.3 (MANE Select); coding-DNA position 4141, C replaced by T.
Protein change: p.Leu1381Phe; replaces leucine 1381 with phenylalanine.
Molecular consequence: missense variant.
Genome position (GRCh38, 1-based): chrX:153,775,089, C>T. VCF-style: chrX-153775089-C-T. GRCh37 (hg19) VCF-style: chrX-153040544-C-T.
Other names: c.4210C>T, p.Leu1404Phe (NM_001163257.2); short protein forms L1381F, L1404F.
Identifiers: ClinVar variation 2661726 (VCV002661726.24), dbSNP rs782389181, ClinGen allele CA10551512.
Genomic context (GRCh38, chrX:153,775,089, plus strand): 5'-GGCCACTGTGCCACTGTGCGCCAGGGCCTCACGCAGCTCTCCAACCTGCTCAACAGCAAG[C>T]TCTTCCTCCTCACGGTGAGGGCCGTGTGGCGGGAGTGCCCAGTGGGCAAGGAGGTGGGGC-3'
Protein context (NP_005384.2, residues 1371-1391): TQLSNLLNSK[Leu1381Phe]FLLTLIHTLE